The following is an entry in ClinVar:

NM_001009944.3(PKD1):c.11552_11557del (p.Phe3851_Glu3853delinsTer)

Genes: PKD1 (polycystin 1, transient receptor potential channel interacting; minus strand), PKD1-AS1 (PKD1 antisense RNA 1; plus strand). Cytogenetic location: 16p13.3.
Variant type: Deletion.
Coding change: c.11552_11557del on transcript NM_001009944.3 (MANE Select); coding-DNA positions 11552 to 11557, 6 bases deleted (TCCTGG; older notation c.11552_11557delTCCTGG).
Protein change: p.Phe3851_Glu3853delinsTer.
Molecular consequence: nonsense. On other transcripts: non-coding transcript variant (1).
Genome position (GRCh38, 1-based): chr16:2,091,578-2,091,583, CCAGGA deleted on the plus strand (TCCTGG on the coding strand, the reverse complement: PKD1 is on the minus strand). VCF-style (leftmost placement, unchanged base first): chr16-2091577-TCCAGGA-T. GRCh37 (hg19) VCF-style: chr16-2141578-TCCAGGA-T.
Other names: c.11549_11554del, p.Phe3850_Glu3852delinsTer (NM_000296.4); c.11552_11557del6 (NM_001009944.2).
Identifiers: ClinVar variation 2633061 (VCV002633061.1), dbSNP rs2544615479, ClinGen allele CA2695197384.

ClinVar aggregate classification (germline): Pathogenic (1 of 4 stars; one submission).

Conditions:
PKD1-related disorder. Also called: PKD1-related condition.

Submission:

PreventionGenetics, part of Exact Sciences
Classification: Pathogenic for PKD1-related condition. Last evaluated: 2023-05-11. Review status: criteria provided, single submitter. Criteria: ACMG Guidelines, 2015. Collection method: clinical testing. Allele origin: germline.
Comment: The PKD1 c.11552_11557del6 variant is predicted to result in premature protein termination (p.Phe3851*). To our knowledge, this variant has not been reported in the literature or in a large population database, indicating this variant is rare. Nonsense variants in PKD1 are expected to be pathogenic. This variant is interpreted as pathogenic.